The following is an entry in ClinVar:

ClinVar aggregate classification (germline): Uncertain significance. Review status: criteria provided, multiple submitters, no conflicts (2 of 4 stars). 2 submissions from 2 submitters: Uncertain significance (2). Last evaluated 2025-05-05.

Conditions:
Cardiomyopathy (CMYO). Also called: Cardiomyopathies. Identifiers: Orphanet 167848, MedGen C0878544, MONDO:0004994, HP:0001638. Inheritance: Various modes of inheritance.

Submissions (2):

Women's Health and Genetics/Laboratory Corporation of America, LabCorp
Classification: Uncertain significance. Last evaluated: 2025-05-05. Review status: criteria provided, single submitter. Criteria: LabCorp Variant Classification Summary - May 2015. Collection method: clinical testing. Allele origin: germline.
Comment: Variant summary: DSC2 c.1448A>T (p.Asn483Ile) results in a non-conservative amino acid change in the encoded protein sequence. Algorithms developed to predict the effect of missense changes on protein structure and function all suggest that this variant is likely to be disruptive. The variant was absent in 251274 control chromosomes. The available data on variant occurrences in the general population are insufficient to allow any conclusion about variant significance. c.1448A>T has been observed in at-least one individual with dilated cardiomyopathy and at-least one individual with left ventricular non-compaction (example: DalFerro_2017, Richard_2019). These report(s) do not provide unequivocal conclusions about association of the variant with Arrhythmogenic Right Ventricular Dysplasia/Cardiomyopathy. To our knowledge, no experimental evidence demonstrating an impact on protein function has been reported. The following publications have been ascertained in the context of this evaluation (PMID: 34088380, 28416588, 31514951, 30471092). ClinVar contains an entry for this variant (Variation ID: 920329). Based on the evidence outlined above, the variant was classified as uncertain significance.

Color Diagnostics, LLC DBA Color Health
Classification: Uncertain significance for Cardiomyopathy. Last evaluated: 2019-11-17. Review status: criteria provided, single submitter. Criteria: ACMG Guidelines, 2015. Collection method: clinical testing. Allele origin: germline.
Comment: This missense variant replaces asparagine with isoleucine at codon 483 of the DSC2 protein. Computational prediction suggests that this variant may not impact protein structure and function (internally defined REVEL score threshold <= 0.5, PMID: 27666373). Splice site prediction tools suggest that this variant may not impact RNA splicing. To our knowledge, functional studies have not been performed for this variant. This variant has been reported in an individual affected with dilated cardiomyopathy (PMID: 28416588) and in an individual affected with left ventricular non-compaction (PMID: 30471092). This variant has not been identified in the general population by the Genome Aggregation Database (gnomAD). The available evidence is insufficient to determine the role of this variant in disease conclusively. Therefore, this variant is classified as a Variant of Uncertain Significance.

Literature cited by the submitters: PubMed 28416588 (cited by Women's Health and Genetics/Laboratory Corporation of America, LabCorp); PubMed 30471092 (cited by Women's Health and Genetics/Laboratory Corporation of America, LabCorp); PubMed 34088380 (cited by Women's Health and Genetics/Laboratory Corporation of America, LabCorp); PubMed 31514951 (cited by Women's Health and Genetics/Laboratory Corporation of America, LabCorp).

NM_024422.6(DSC2):c.1448A>T (p.Asn483Ile)

Gene: DSC2 (desmocollin 2; minus strand). Cytogenetic location: 18q12.1.
Variant type: single nucleotide variant.
Coding change: c.1448A>T on transcript NM_024422.6 (MANE Select); coding-DNA position 1448, A replaced by T.
Protein change: p.Asn483Ile; replaces asparagine 483 with isoleucine.
Molecular consequence: missense variant.
Genome position (GRCh38, 1-based): chr18:31,080,168, T>A on the plus strand (A>T on the coding strand, the complement: DSC2 is on the minus strand). VCF-style: chr18-31080168-T-A. GRCh37 (hg19) VCF-style: chr18-28660134-T-A.
Other names: c.1448A>T, p.Asn483Ile (NM_004949.5); short protein forms N483I.
Identifiers: ClinVar variation 920329 (VCV000920329.4), dbSNP rs1987164076, ClinGen allele CA402108478.